The following is an entry in ClinVar:

ClinVar aggregate classification (germline): Pathogenic/Likely pathogenic. Review status: criteria provided, multiple submitters, no conflicts (2 of 4 stars). 2 submissions from 2 submitters: Pathogenic (1); Likely pathogenic (1). Last evaluated 2021-11-01.

Conditions:
Walker-Warburg congenital muscular dystrophy. Also called: Muscular dystrophy-dystroglycanopathy, type A; Walker-Warburg syndrome. Identifiers: Orphanet 899, MedGen C0265221, MONDO:0000171.

Submissions (2):

Labcorp Genetics (formerly Invitae), Labcorp
Classification: Pathogenic for Walker-Warburg congenital muscular dystrophy. Last evaluated: 2021-11-01. Review status: criteria provided, single submitter. Criteria: Invitae Variant Classification Sherloc (09022015). Collection method: clinical testing. Allele origin: germline.
Comment: For these reasons, this variant has been classified as Pathogenic. ClinVar contains an entry for this variant (Variation ID: 620289). This sequence change creates a premature translational stop signal (p.Trp120*) in the FKTN gene. It is expected to result in an absent or disrupted protein product. Loss-of-function variants in FKTN are known to be pathogenic (PMID: 17044012, 17878207, 18752264). This variant is not present in population databases (gnomAD no frequency). This variant has not been reported in the literature in individuals affected with FKTN-related conditions.

GeneDx
Classification: Likely pathogenic. Last evaluated: 2018-07-24. Review status: criteria provided, single submitter. Criteria: GeneDx Variant Classification (06012015). Collection method: clinical testing. Allele origin: germline. Affected: yes.
Comment: The W120X variant in the FKTN gene has not been reported as a pathogenic or benign to our knowledge. This variant is predicted to cause loss of normal protein function either by protein truncation or nonsense-mediated mRNA decay. Other nonsense variants in the FKTN gene have been reported in Human Gene Mutation Database in association with cardiomyopathy (Stenson et al., 2014). Furthermore, the W120X variant is not observed in large population cohorts (Lek et al., 2016). In summary, W120X in the FKTN gene is interpreted as a likely pathogenic variant.

Literature cited by the submitters: PubMed 17044012 (cited by Labcorp Genetics (formerly Invitae), Labcorp); PubMed 17878207 (cited by Labcorp Genetics (formerly Invitae), Labcorp); PubMed 18752264 (cited by Labcorp Genetics (formerly Invitae), Labcorp).

NM_001079802.2(FKTN):c.360G>A (p.Trp120Ter)

Gene: FKTN (fukutin; plus strand). Cytogenetic location: 9q31.2.
Variant type: single nucleotide variant.
Coding change: c.360G>A on transcript NM_001079802.2 (MANE Select); coding-DNA position 360, G replaced by A.
Protein change: p.Trp120Ter; replaces tryptophan 120 with a stop codon.
Molecular consequence: nonsense. On other transcripts: 5 prime UTR variant (4), non-coding transcript variant (2).
Genome position (GRCh38, 1-based): chr9:105,601,339, G>A. VCF-style: chr9-105601339-G-A. GRCh37 (hg19) VCF-style: chr9-108363620-G-A.
Other names: c.360G>A, p.Trp120Ter (NM_001198963.2, NM_001351496.2, NM_001351498.2 and 1 more transcripts); c.291G>A, p.Trp97Ter (NM_001351497.2); c.-155G>A (NM_001351499.2, NM_001351500.2, NM_001351501.2 and 1 more transcripts); short protein forms W120*, W97*.
Identifiers: ClinVar variation 620289 (VCV000620289.6), dbSNP rs1564284467, ClinGen allele CA374331819.